The following is an entry in ClinVar:

ClinVar aggregate classification (germline): Likely pathogenic. Review status: criteria provided, multiple submitters, no conflicts (2 of 4 stars). 4 submissions from 4 submitters: Likely pathogenic (4). Last evaluated 2026-08-20.

Conditions:
LRP5-related disorder. Also called: LRP5-related condition.
Bone mineral density quantitative trait locus 1 (BMND1). Identifiers: MedGen C1866079, OMIM 601884.
Exudative vitreoretinopathy 4 (EVR4). Identifiers: Orphanet 891, MedGen C1866176, MONDO:0011151, OMIM 601813.
Worth disease. Also called: ENDOSTEAL HYPEROSTOSIS, AUTOSOMAL DOMINANT; OSTEOSCLEROSIS, AUTOSOMAL DOMINANT; Autosomal dominant osteosclerosis, Worth type. Identifiers: Orphanet 2790, MedGen C0432273, MONDO:0007764, OMIM 144750.
Autosomal dominant osteopetrosis 1 (OPTA1). Also called: OSTEOPETROSIS, AUTOSOMAL DOMINANT, TYPE I. Identifiers: Orphanet 2783, MedGen C1843330, MONDO:0011877, OMIM 607634.
Polycystic liver disease 4 with or without kidney cysts. Identifiers: MedGen C4693479, MONDO:0044327, OMIM 617875.
Osteoporosis with pseudoglioma (OPPG). Also called: osteoporosis-pseudoglioma syndrome. Identifiers: Orphanet 2788, MedGen C0432252, MONDO:0009820, OMIM 259770.

Allele frequency attached by ClinVar (database versions not stated): TOPMed below 0.00001; gnomAD 0.00001; gnomAD exomes 0.00001.
gnomAD v4.1: 11 of 1,613,274 alleles (0.00068%); highest among the groups gnomAD compares: South Asian, 0.0011%; no homozygotes.

Submissions (4):

PreventionGenetics, part of Exact Sciences
Classification: Likely pathogenic for LRP5-related condition. Last evaluated: 2026-08-20. Review status: criteria provided, single submitter. Criteria: ACMG Guidelines, 2015. Collection method: clinical testing. Allele origin: germline.
Comment: The LRP5 c.1378G>A variant is predicted to result in the amino acid substitution p.Glu460Lys. This variant has been reported in the heterozygous state along with a second variant in this gene in a few individuals with familial exudative vitreoretinopathy (FEVR) or osteoporosis-pseudoglioma syndrome (OPPG) (Ai et al. 2005. PubMed ID: 16252235; Li et al. 2018. PubMed ID: 30452590; Tao et al. 2021. PubMed ID: 34860240; Table S1, Chen et al. 2022. PubMed ID: 36018796). This variant has not been reported in a large population database (gnomAD), indicating this variant is rare and is consistently interpreted as likely pathogenic in ClinVar (Variation ID: 2085657). This variant is interpreted as likely pathogenic.

Labcorp Genetics (formerly Invitae), Labcorp
Classification: Likely pathogenic. Last evaluated: 2025-04-08. Review status: criteria provided, single submitter. Criteria: Invitae Variant Classification Sherloc (09022015). Collection method: clinical testing. Allele origin: germline.
Comment: This sequence change replaces glutamic acid, which is acidic and polar, with lysine, which is basic and polar, at codon 460 of the LRP5 protein (p.Glu460Lys). This variant is not present in population databases (gnomAD no frequency). This missense change has been observed in individual(s) with autosomal recessive osteoporosis-pseudoglioma syndrome and/or exudative vitreoretinopathy (PMID: 16252235, 30452590, 34860240). In at least one individual the data is consistent with being in trans (on the opposite chromosome) from a pathogenic variant. ClinVar contains an entry for this variant (Variation ID: 2085657). Invitae Evidence Modeling of protein sequence and biophysical properties (such as structural, functional, and spatial information, amino acid conservation, physicochemical variation, residue mobility, and thermodynamic stability) has been performed for this missense variant. However, the output from this modeling did not meet the statistical confidence thresholds required to predict the impact of this variant on LRP5 protein function. In summary, the currently available evidence indicates that the variant is pathogenic, but additional data are needed to prove that conclusively. Therefore, this variant has been classified as Likely Pathogenic.

First Genomix Gene Laboratory, Genetic Diagnostics Department
Classification: Likely pathogenic for Exudative vitreoretinopathy 4; Osteoporosis with pseudoglioma. Last evaluated: 2025-01-08. Review status: criteria provided, single submitter. Criteria: ACMG Guidelines, 2015. Collection method: clinical testing. Allele origin: germline. Inheritance: Autosomal recessive inheritance. Affected: no. Observed: 1 variant allele.

Fulgent Genetics
Classification: Likely pathogenic for Worth disease; Osteoporosis with pseudoglioma; Exudative vitreoretinopathy 4; Bone mineral density quantitative trait locus 1; Autosomal dominant osteopetrosis 1; Polycystic liver disease 4 with or without kidney cysts. Last evaluated: 2024-05-17. Review status: criteria provided, single submitter. Criteria: ACMG Guidelines, 2015. Collection method: clinical testing. Allele origin: germline.

Literature cited by the submitters: PubMed 16252235 (cited by Labcorp Genetics (formerly Invitae), Labcorp); PubMed 30452590 (cited by Labcorp Genetics (formerly Invitae), Labcorp); PubMed 34860240 (cited by Labcorp Genetics (formerly Invitae), Labcorp).

NM_002335.4(LRP5):c.1378G>A (p.Glu460Lys)

Gene: LRP5 (LDL receptor related protein 5; plus strand). Cytogenetic location: 11q13.2.
Variant type: single nucleotide variant.
Coding change: c.1378G>A on transcript NM_002335.4 (MANE Select); coding-DNA position 1378, G replaced by A.
Protein change: p.Glu460Lys; replaces glutamic acid 460 with lysine.
Molecular consequence: missense variant. On other transcripts: 5 prime UTR variant (1).
Genome position (GRCh38, 1-based): chr11:68,386,678, G>A. VCF-style: chr11-68386678-G-A. GRCh37 (hg19) VCF-style: chr11-68154146-G-A.
Other names: c.1378G>A (NM_002335.3); c.-388G>A (NM_001291902.2); short protein forms E460K.
Identifiers: ClinVar variation 2085657 (VCV002085657.7), dbSNP rs866606166, ClinGen allele CA224252935.